The following is an entry in ClinVar:

ClinVar aggregate classification (germline): Uncertain significance (1 of 4 stars; one submission).

Submission:

Labcorp Genetics (formerly Invitae), Labcorp
Classification: Uncertain significance. Last evaluated: 2022-07-06. Review status: criteria provided, single submitter. Criteria: Invitae Variant Classification Sherloc (09022015). Collection method: clinical testing. Allele origin: germline.
Comment: In summary, the available evidence is currently insufficient to determine the role of this variant in disease. Therefore, it has been classified as a Variant of Uncertain Significance. This variant has not been reported in the literature in individuals affected with TRIOBP-related conditions. A copy number gain of the genomic region encompassing the full coding sequence of the TRIOBP gene has been identified. The boundaries of this event are unknown as they extend beyond the assayed region for this gene and therefore may encompass additional genes. As the precise location of this event is unknown, it may be in tandem or it may be located elsewhere in the genome.

NC_000022.10:g.(?_38097373)_(38168769_?)dup

Gene: TRIOBP (TRIO and F-actin binding protein; plus strand). Cytogenetic location: 22q13.1.
Variant type: Duplication.
Identifiers: ClinVar variation 2423541 (VCV002423541.4).